The following is an entry in ClinVar:

ClinVar aggregate classification (germline): Pathogenic (1 of 4 stars; one submission).

Conditions:
Autosomal recessive limb-girdle muscular dystrophy type 2D (LGMDR3). Also called: DUCHENNE-LIKE AUTOSOMAL RECESSIVE MUSCULAR DYSTROPHY, TYPE 2; MUSCULAR DYSTROPHY, LIMB-GIRDLE, AUTOSOMAL RECESSIVE 3; ADHALINOPATHY, PRIMARY. Identifiers: Orphanet 62, MedGen C2936332, MONDO:0011968, OMIM 608099. Disease mechanism: Affects gamma-sarcoglycan and also disrupts the integrity of the entire sarcoglycan complex..

Submission:

Labcorp Genetics (formerly Invitae), Labcorp
Classification: Pathogenic for Autosomal recessive limb-girdle muscular dystrophy type 2D. Last evaluated: 2020-10-19. Review status: criteria provided, single submitter. Criteria: Invitae Variant Classification Sherloc (09022015). Collection method: clinical testing. Allele origin: germline.
Comment: For these reasons, this variant has been classified as Pathogenic. This nonsense variant has been observed in individual(s) with limb-girdle muscular dystrophy (LGMD) (PMID: 30919934). This variant is not present in population databases (ExAC no frequency). This sequence change creates a premature translational stop signal (p.Tyr134*) in the SGCA gene. It is expected to result in an absent or disrupted protein product. Loss-of-function variants in SGCA are known to be pathogenic (PMID: 9192266).

Literature cited by the submitters: PubMed 30919934; PubMed 9192266.

NM_000023.4(SGCA):c.402C>A (p.Tyr134Ter)

Gene: SGCA (sarcoglycan alpha; plus strand). Cytogenetic location: 17q21.33.
Variant type: single nucleotide variant.
Coding change: c.402C>A on transcript NM_000023.4 (MANE Select); coding-DNA position 402, C replaced by A.
Protein change: p.Tyr134Ter; replaces tyrosine 134 with a stop codon.
Molecular consequence: nonsense. On other transcripts: non-coding transcript variant (1).
Genome position (GRCh38, 1-based): chr17:50,168,390, C>A. VCF-style: chr17-50168390-C-A. GRCh37 (hg19) VCF-style: chr17-48245751-C-A.
Other names: c.402C>A, p.Tyr134Ter (NM_001135697.3); short protein forms Y134*.
Identifiers: ClinVar variation 1068550 (VCV001068550.9), dbSNP rs780264754, ClinGen allele CA400179800.